The following is an entry in ClinVar:

ClinVar aggregate classification (germline): Uncertain significance (1 of 4 stars; one submission).

gnomAD v4.1: 4 of 1,613,936 alleles (0.00025%); highest among the groups gnomAD compares: South Asian, 0.0011%; no homozygotes.

Submission:

Labcorp Genetics (formerly Invitae), Labcorp
Classification: Uncertain significance. Last evaluated: 2024-06-11. Review status: criteria provided, single submitter. Criteria: Invitae Variant Classification Sherloc (09022015). Collection method: clinical testing. Allele origin: germline.
Comment: This sequence change replaces proline, which is neutral and non-polar, with threonine, which is neutral and polar, at codon 32 of the CYP7A1 protein (p.Pro32Thr). The frequency data for this variant in the population databases is considered unreliable, as metrics indicate poor data quality at this position in the gnomAD database. This variant has not been reported in the literature in individuals affected with CYP7A1-related conditions. Advanced modeling of protein sequence and biophysical properties (such as structural, functional, and spatial information, amino acid conservation, physicochemical variation, residue mobility, and thermodynamic stability) performed at Invitae indicates that this missense variant is expected to disrupt CYP7A1 protein function with a positive predictive value of 80%. In summary, the available evidence is currently insufficient to determine the role of this variant in disease. Therefore, it has been classified as a Variant of Uncertain Significance.

NM_000780.4(CYP7A1):c.94C>A (p.Pro32Thr)

Genes: CYP7A1 (cytochrome P450 family 7 subfamily A member 1; minus strand), LOC110596866 (CYP7A1 5' regulatory region; plus strand). Cytogenetic location: 8q12.1.
Variant type: single nucleotide variant.
Coding change: c.94C>A on transcript NM_000780.4 (MANE Select); coding-DNA position 94, C replaced by A.
Protein change: p.Pro32Thr; replaces proline 32 with threonine.
Molecular consequence: missense variant.
Genome position (GRCh38, 1-based): chr8:58,498,456, G>T on the plus strand (C>A on the coding strand, the complement: CYP7A1 is on the minus strand). VCF-style: chr8-58498456-G-T. GRCh37 (hg19) VCF-style: chr8-59411015-G-T.
Other names: short protein forms P32T.
Identifiers: ClinVar variation 3619919 (VCV003619919.2).